The following is an entry in ClinVar:

NM_205850.3(SLC24A5):c.307G>C (p.Gly103Arg)

Gene: SLC24A5 (solute carrier family 24 member 5; plus strand). Cytogenetic location: 15q21.1.
Variant type: single nucleotide variant.
Coding change: c.307G>C on transcript NM_205850.3 (MANE Select); coding-DNA position 307, G replaced by C.
Protein change: p.Gly103Arg; replaces glycine 103 with arginine.
Molecular consequence: missense variant.
Genome position (GRCh38, 1-based): chr15:48,134,263, G>C. VCF-style: chr15-48134263-G-C. GRCh37 (hg19) VCF-style: chr15-48426460-G-C.
Other names: short protein forms G103R.
Identifiers: ClinVar variation 2416703 (VCV002416703.4), dbSNP rs757041679, ClinGen allele CA7545836.

ClinVar aggregate classification (germline): Uncertain significance (1 of 4 stars; one submission).

Allele frequency attached by ClinVar (database versions not stated): ExAC 0.00001; gnomAD 0.00001; TOPMed 0.00002.
gnomAD v4.1: 1 of 1,613,280 alleles (0.000062%); highest among the groups gnomAD compares: Non-Finnish European, 0.000085%; no homozygotes.

Submission:

Labcorp Genetics (formerly Invitae), Labcorp
Classification: Uncertain significance. Last evaluated: 2022-10-13. Review status: criteria provided, single submitter. Criteria: Invitae Variant Classification Sherloc (09022015). Collection method: clinical testing. Allele origin: germline.
Comment: In summary, the available evidence is currently insufficient to determine the role of this variant in disease. Therefore, it has been classified as a Variant of Uncertain Significance. Advanced modeling of protein sequence and biophysical properties (such as structural, functional, and spatial information, amino acid conservation, physicochemical variation, residue mobility, and thermodynamic stability) performed at Invitae indicates that this missense variant is not expected to disrupt SLC24A5 protein function. This variant has not been reported in the literature in individuals affected with SLC24A5-related conditions. This variant is present in population databases (rs757041679, gnomAD 0.0009%). This sequence change replaces glycine, which is neutral and non-polar, with arginine, which is basic and polar, at codon 103 of the SLC24A5 protein (p.Gly103Arg).